The following is an entry in ClinVar:

ClinVar aggregate classification (germline): Uncertain significance (1 of 4 stars; one submission).

Submission:

Ambry Genetics
Classification: Uncertain significance. Last evaluated: 2023-11-03. Review status: criteria provided, single submitter. Criteria: Ambry Variant Classification Scheme 2023. Collection method: clinical testing. Allele origin: germline.
Comment: The p.G3943W variant (also known as c.11827G>T), located in coding exon 83 of the PRKDC gene, results from a G to T substitution at nucleotide position 11827. The glycine at codon 3943 is replaced by tryptophan, an amino acid with highly dissimilar properties. This amino acid position is conserved. In addition, this alteration is predicted to be deleterious by in silico analysis. Since supporting evidence is limited at this time, the clinical significance of this alteration remains unclear.

NM_006904.7(PRKDC):c.11827G>T (p.Gly3943Trp)

Gene: PRKDC (protein kinase, DNA-activated, catalytic subunit; minus strand). Cytogenetic location: 8q11.21.
Variant type: single nucleotide variant.
Coding change: c.11827G>T on transcript NM_006904.7 (MANE Select); coding-DNA position 11827, G replaced by T.
Protein change: p.Gly3943Trp; replaces glycine 3943 with tryptophan.
Molecular consequence: missense variant.
Genome position (GRCh38, 1-based): chr8:47,778,485, C>A on the plus strand (G>T on the coding strand, the complement: PRKDC is on the minus strand). VCF-style: chr8-47778485-C-A. GRCh37 (hg19) VCF-style: chr8-48691046-C-A.
Other names: c.11734G>T, p.Gly3912Trp (NM_001081640.2); short protein forms G3912W, G3943W.
Identifiers: ClinVar variation 3225727 (VCV003225727.1), dbSNP rs2551859871, ClinGen allele CA371128477.
Genomic context (GRCh38, chr8:47,778,485, plus strand): 5'-CTTGCCCAGGATCACGAGAGCACAGCAAGTGCACCTGTGTAGCGGATCCAAACGCATGCC[C>A]AAAGTCGATCCCGATCACGCCGCCAGTCTCCATGGCCACCATAAAGTTGTTCAGATGTCT-3'
Protein context (NP_008835.5, residues 3933-3953): ETGGVIGIDF[Gly3943Trp]HAFGSATQFL